The following is an entry in ClinVar:

ClinVar aggregate classification (germline): Uncertain significance (1 of 4 stars; one submission).

Submission:

GeneDx
Classification: Uncertain significance. Last evaluated: 2024-04-29. Review status: criteria provided, single submitter. Criteria: GeneDx Variant Classification Process June 2021. Collection method: clinical testing. Allele origin: germline. Affected: yes.
Comment: Not observed at significant frequency in large population cohorts (gnomAD); In silico analysis indicates that this missense variant does not alter protein structure/function; Has not been previously published as pathogenic or benign to our knowledge

NM_001008537.3(NEXMIF):c.1486G>A (p.Val496Ile)

Gene: NEXMIF (neurite extension and migration factor; minus strand). Cytogenetic location: Xq13.3.
Variant type: single nucleotide variant.
Coding change: c.1486G>A on transcript NM_001008537.3 (MANE Select); coding-DNA position 1486, G replaced by A.
Protein change: p.Val496Ile; replaces valine 496 with isoleucine.
Molecular consequence: missense variant.
Genome position (GRCh38, 1-based): chrX:74,743,071, C>T on the plus strand (G>A on the coding strand, the complement: NEXMIF is on the minus strand). VCF-style: chrX-74743071-C-T. GRCh37 (hg19) VCF-style: chrX-73962906-C-T.
Other names: short protein forms V496I.
Identifiers: ClinVar variation 3373244 (VCV003373244.1).